The following is an entry in ClinVar:

ClinVar aggregate classification (germline): Uncertain significance. Review status: criteria provided, multiple submitters, no conflicts (2 of 4 stars). 2 submissions from 2 submitters: Uncertain significance (2). Last evaluated 2025-02-12.

Conditions:
Inborn genetic diseases. Identifiers: MedGen C0950123, MeSH D030342.

gnomAD v4.1: 24 of 1,598,166 alleles (0.0015%); highest among the groups gnomAD compares: East Asian, 0.0023%; no homozygotes.

Submissions (2):

Ambry Genetics
Classification: Uncertain significance for Inborn genetic diseases. Last evaluated: 2025-02-12. Review status: criteria provided, single submitter. Criteria: Ambry Variant Classification Scheme 2023. Collection method: clinical testing. Allele origin: germline.

Labcorp Genetics (formerly Invitae), Labcorp
Classification: Uncertain significance. Last evaluated: 2024-10-07. Review status: criteria provided, single submitter. Criteria: Invitae Variant Classification Sherloc (09022015). Collection method: clinical testing. Allele origin: germline.
Comment: This sequence change replaces arginine, which is basic and polar, with cysteine, which is neutral and slightly polar, at codon 1434 of the FRAS1 protein (p.Arg1434Cys). This variant is present in population databases (rs756271733, gnomAD 0.006%). This variant has not been reported in the literature in individuals affected with FRAS1-related conditions. Invitae Evidence Modeling of protein sequence and biophysical properties (such as structural, functional, and spatial information, amino acid conservation, physicochemical variation, residue mobility, and thermodynamic stability) indicates that this missense variant is not expected to disrupt FRAS1 protein function with a negative predictive value of 80%. In summary, the available evidence is currently insufficient to determine the role of this variant in disease. Therefore, it has been classified as a Variant of Uncertain Significance.

NM_025074.7(FRAS1):c.4300C>T (p.Arg1434Cys)

Gene: FRAS1 (Fraser extracellular matrix complex subunit 1; plus strand). Cytogenetic location: 4q21.21.
Variant type: single nucleotide variant.
Coding change: c.4300C>T on transcript NM_025074.7 (MANE Select); coding-DNA position 4300, C replaced by T.
Protein change: p.Arg1434Cys; replaces arginine 1434 with cysteine.
Molecular consequence: missense variant.
Genome position (GRCh38, 1-based): chr4:78,407,833, C>T. VCF-style: chr4-78407833-C-T. GRCh37 (hg19) VCF-style: chr4-79328987-C-T.
Other names: c.4300C>T, p.Arg1434Cys (NM_001166133.2); c.4300C>T (NM_025074.6); short protein forms R1434C.
Identifiers: ClinVar variation 3730526 (VCV003730526.2).